The following is an entry in ClinVar:

NM_007194.4(CHEK2):c.627G>T (p.Gln209His)

Gene: CHEK2 (checkpoint kinase 2; minus strand). Cytogenetic location: 22q12.1.
Variant type: single nucleotide variant.
Coding change: c.627G>T on transcript NM_007194.4 (MANE Select); coding-DNA position 627, G replaced by T.
Protein change: p.Gln209His; replaces glutamine 209 with histidine.
Molecular consequence: missense variant. On other transcripts: 5 prime UTR variant (2), intron variant (1).
Genome position (GRCh38, 1-based): chr22:28,719,451, C>A on the plus strand (G>T on the coding strand, the complement: CHEK2 is on the minus strand). VCF-style: chr22-28719451-C-A. GRCh37 (hg19) VCF-style: chr22-29115439-C-A.
Other names: c.756G>T, p.Gln252His (NM_001005735.3, NM_001438294.1); c.-37G>T (NM_001257387.3, NM_001437942.1); c.720G>T, p.Gln240His (NM_001438293.1, NM_001438295.1); c.627G>T, p.Gln209His (NM_145862.3); c.482+5435G>T (NM_001349956.3); short protein forms Q209H, Q252H, Q240H.
Identifiers: ClinVar variation 3893998 (VCV003893998.1).

ClinVar aggregate classification (germline): Uncertain significance (1 of 4 stars; one submission).

Conditions:
Hereditary cancer-predisposing syndrome. Also called: Neoplastic Syndromes, Hereditary; Tumor predisposition; Hereditary Cancer Syndrome; Hereditary neoplastic syndrome. Identifiers: Orphanet 140162, MedGen C0027672, MeSH D009386, MONDO:0015356.

Submission:

Color Diagnostics, LLC DBA Color Health
Classification: Uncertain significance for Hereditary cancer-predisposing syndrome. Last evaluated: 2024-07-15. Review status: criteria provided, single submitter. Criteria: ACMG Guidelines, 2015. Collection method: clinical testing. Allele origin: germline.
Comment: This missense variant replaces glutamine with histidine at codon 209 of the CHEK2 protein. Computational prediction suggests that this variant may not impact protein structure and function (internally defined REVEL score threshold <= 0.5, PMID: 27666373). To our knowledge, functional studies have not been reported for this variant. This variant has not been reported in individuals affected with CHEK2-related disorders in the literature. This variant has not been identified in the general population by the Genome Aggregation Database (gnomAD). The available evidence is insufficient to determine the role of this variant in disease conclusively. Therefore, this variant is classified as a Variant of Uncertain Significance.